The following is an entry in ClinVar:

ClinVar aggregate classification (germline): Uncertain significance (1 of 4 stars; one submission).

Conditions:
Inborn genetic diseases. Identifiers: MedGen C0950123, MeSH D030342.

gnomAD v4.1: 3 of 1,613,742 alleles (0.00019%); highest among the groups gnomAD compares: Non-Finnish European, 0.00025%; no homozygotes.

Submission:

Ambry Genetics
Classification: Uncertain significance for Inborn genetic diseases. Last evaluated: 2025-02-02. Review status: criteria provided, single submitter. Criteria: Ambry Variant Classification Scheme 2023. Collection method: clinical testing. Allele origin: germline.
Comment: The p.M282I variant (also known as c.846G>A), located in coding exon 6 of the MECOM gene, results from a G to A substitution at nucleotide position 846. The methionine at codon 282 is replaced by isoleucine, an amino acid with highly similar properties. This amino acid position is conserved. In addition, this alteration is predicted to be tolerated by in silico analysis. Based on the available evidence, the clinical significance of this variant remains unclear.

NM_004991.4(MECOM):c.846G>A (p.Met282Ile)

Gene: MECOM (MDS1 and EVI1 complex locus; minus strand). Cytogenetic location: 3q26.2.
Variant type: single nucleotide variant.
Coding change: c.846G>A on transcript NM_004991.4 (MANE Select); coding-DNA position 846, G replaced by A.
Protein change: p.Met282Ile; replaces methionine 282 with isoleucine.
Molecular consequence: missense variant.
Genome position (GRCh38, 1-based): chr3:169,122,712, C>T on the plus strand (G>A on the coding strand, the complement: MECOM is on the minus strand). VCF-style: chr3-169122712-C-T. GRCh37 (hg19) VCF-style: chr3-168840500-C-T.
Other names: c.474G>A, p.Met158Ile (NM_001105077.4); c.282G>A, p.Met94Ile (NM_001105078.4, NM_001163999.2, NM_001164000.2 and 9 more transcripts); c.846G>A, p.Met282Ile (NM_001366466.2, NM_001366473.2); short protein forms M282I, M94I, M158I.
Identifiers: ClinVar variation 3871778 (VCV003871778.1).